The following is an entry in ClinVar:

ClinVar aggregate classification (germline): Uncertain significance. Review status: criteria provided, multiple submitters, no conflicts (2 of 4 stars). 3 submissions from 3 submitters: Uncertain significance (3). Last evaluated 2024-06-11.

Conditions:
Malignant hyperthermia, susceptibility to, 1 (MHS1). Also called: Anesthesia related hyperthermia; Malignant hyperpyrexia; Fulminating hyperpyrexia; Pharmacogenic myopathy; RYR1-Related Malignant Hyperthermia Susceptibility; Malignant hyperthermia suceptibility 1. Identifiers: Orphanet 423, MedGen C2930980, MONDO:0007783, OMIM 145600.

Allele frequency attached by ClinVar (database versions not stated): gnomAD 0.00001; TOPMed 0.00001.
gnomAD v4.1: 23 of 1,576,430 alleles (0.0015%); highest among the groups gnomAD compares: Non-Finnish European, 0.0018%; no homozygotes.

Submissions (3):

Women's Health and Genetics/Laboratory Corporation of America, LabCorp
Classification: Uncertain significance. Last evaluated: 2024-06-11. Review status: criteria provided, single submitter. Criteria: LabCorp Variant Classification Summary - May 2015. Collection method: clinical testing. Allele origin: germline.
Comment: Variant summary: RYR1 c.2870+3G>A alters a non-conserved nucleotide located close to a canonical splice site and therefore could affect mRNA splicing, leading to a significantly altered protein sequence. Consensus agreement among computation tools predict no significant impact on normal splicing. However, these predictions have yet to be confirmed by functional studies. The variant allele was found at a frequency of 5.3e-06 in 190228 control chromosomes. The available data on variant occurrences in the general population are insufficient to allow any conclusion about variant significance. To our knowledge, no occurrence of c.2870+3G>A in individuals affected with Myopathy, RYR1-Associated and no experimental evidence demonstrating its impact on protein function have been reported. ClinVar contains an entry for this variant (Variation ID: 3073556). Based on the evidence outlined above, the variant was classified as uncertain significance.

All of Us Research Program, National Institutes of Health
Classification: Uncertain significance for Malignant hyperthermia, susceptibility to, 1. Last evaluated: 2023-12-01. Review status: criteria provided, single submitter. Criteria: ACMG Guidelines, 2015. Collection method: clinical testing. Allele origin: germline. Inheritance: Autosomal dominant inheritance. Observed: 2 variant alleles, 2 heterozygotes.
Comment: This variant causes a G to A nucleotide substitution at the +3 position of intron 23/105 of the RYR1 gene. To our knowledge, functional studies have not been reported for this variant. This variant has not been reported in individuals affected with RYR1-related disorders in the literature. This variant has been identified in 1/190228 chromosomes in the general population by the Genome Aggregation Database (gnomAD). The available evidence is insufficient to determine the role of this variant in disease conclusively. Therefore, this variant is classified as a Variant of Uncertain Significance.

This study involves interpretation of variants in research participants for the purpose of population health screening. Participant phenotype was not available at the time of variant classification. Additional details can be found in publication PMID: 35346344, PMCID: PMC8962531

Color Diagnostics, LLC DBA Color Health
Classification: Uncertain significance for Malignant hyperthermia, susceptibility to, 1. Last evaluated: 2023-09-15. Review status: criteria provided, single submitter. Criteria: ACMG Guidelines, 2015. Collection method: clinical testing. Allele origin: germline.
Comment: This variant causes a G to A nucleotide substitution at the +3 position of intron 23 of the RYR1 gene. To our knowledge, functional studies have not been reported for this variant. This variant has not been reported in individuals affected with RYR1-related disorders in the literature. This variant has been identified in 1/190228 chromosomes in the general population by the Genome Aggregation Database (gnomAD). The available evidence is insufficient to determine the role of this variant in disease conclusively. Therefore, this variant is classified as a Variant of Uncertain Significance.

NM_000540.3(RYR1):c.2870+3G>A

Gene: RYR1 (ryanodine receptor 1; plus strand). Cytogenetic location: 19q13.2.
Variant type: single nucleotide variant.
Coding change: c.2870+3G>A on transcript NM_000540.3 (MANE Select); 3 bases into the intron after coding-DNA position 2870, G replaced by A.
Molecular consequence: intron variant.
Genome position (GRCh38, 1-based): chr19:38,464,725, G>A. VCF-style: chr19-38464725-G-A. GRCh37 (hg19) VCF-style: chr19-38955365-G-A.
Other names: c.2870+3G>A (NM_001042723.2).
Identifiers: ClinVar variation 3073556 (VCV003073556.3), dbSNP rs1314195050, ClinGen allele CA632866186.